The following is an entry in ClinVar:

ClinVar aggregate classification (germline): Likely pathogenic (1 of 4 stars; one submission).

Conditions:
Duchenne muscular dystrophy (DMD). Also called: Duchenne Muscular Dystrophy (DMD); MUSCULAR DYSTROPHY, PSEUDOHYPERTROPHIC PROGRESSIVE, DUCHENNE TYPE. Identifiers: Orphanet 98896, MedGen C0013264, MONDO:0010679, OMIM 310200.

Submission:

Diagnostics Services (NGS), CSIR - Centre For Cellular And Molecular Biology
Classification: Likely pathogenic for Duchenne muscular dystrophy. Last evaluated: 2025-01-31. Review status: criteria provided, single submitter. Criteria: ACMG Guidelines, 2015. Collection method: clinical testing. Allele origin: germline. Affected: yes. Observed: 1 variant allele, 1 hemizygote.
Comment: The c.2737del variant is not present in publicly available population databases like 1000 Genomes, EVS, gnomAD, Indian Exome Database or our internal database. This variant has neither been reported in the literature in individuals affected with DMD-related conditions nor reported to the clinical databases like Human Genome Mutation Database (HGMD), ClinVar or OMIM, in any affected individuals. In-silico pathogenicity prediction programs like MutationTaster2021, CADD, Franklin, Varsome etc predicted this variant to be likely deleterious. This variant causes frameshift at the 913rd amino acid position of the wild-type transcript which creates a premature translational stop signal at the altered transcript that may either result in translation of a truncated protein or cause nonsense mediated decay of the mRNA.

NM_004006.3(DMD):c.2737del (p.Ala913fs)

Gene: DMD (dystrophin; minus strand). Cytogenetic location: Xp21.1.
Variant type: Deletion.
Coding change: c.2737del on transcript NM_004006.3 (MANE Select); coding-DNA position 2737, one base deleted (G; older notation c.2737delG).
Protein change: p.Ala913fs; shifts the reading frame from alanine 913.
Molecular consequence: frameshift variant.
Genome position (GRCh38, 1-based): chrX:32,484,985, C deleted on the plus strand (G on the coding strand, the reverse complement: DMD is on the minus strand); the first of 2 consecutive C bases (chrX:32,484,985-32,484,986); deleting either gives the same sequence. VCF-style (leftmost placement, unchanged base first): chrX-32484984-GC-G. GRCh37 (hg19) VCF-style: chrX-32503101-GC-G.
Other names: c.2713del, p.Ala905fs (NM_000109.4); c.2725del, p.Ala909fs (NM_004009.3); c.2368del, p.Ala790fs (NM_004010.3); short protein forms A790fs, A905fs, A909fs, A913fs.
Identifiers: ClinVar variation 3767963 (VCV003767963.1).